The following is an entry in ClinVar:

NM_000138.5(FBN1):c.6160del (p.Gln2054fs)

Gene: FBN1 (fibrillin 1; minus strand). Cytogenetic location: 15q21.1.
Variant type: Deletion.
Coding change: c.6160del on transcript NM_000138.5 (MANE Select); coding-DNA position 6160, one base deleted (C; older notation c.6160delC).
Protein change: p.Gln2054fs; shifts the reading frame from glutamine 2054.
Molecular consequence: frameshift variant.
Genome position (GRCh38, 1-based): chr15:48,441,724, G deleted on the plus strand (C on the coding strand, the reverse complement: FBN1 is on the minus strand); the first of 2 consecutive G bases (chr15:48,441,724-48,441,725); deleting either gives the same sequence. VCF-style (leftmost placement, unchanged base first): chr15-48441723-TG-T. GRCh37 (hg19) VCF-style: chr15-48733920-TG-T.
Other names: c.6160delC (NM_000138.4); c.6160del, p.Gln2054fs (NM_001406716.1); short protein forms Q2054fs.
Identifiers: ClinVar variation 3849184 (VCV003849184.1).

ClinVar aggregate classification (germline): Pathogenic (1 of 4 stars; one submission).

Conditions:
Familial thoracic aortic aneurysm and aortic dissection (TAAD). Also called: Thoracic aortic aneurysms and dissections. Identifiers: Orphanet 91387, MedGen C4707243, MONDO:0019625.

Submission:

Ambry Genetics
Classification: Pathogenic for Familial thoracic aortic aneurysm and aortic dissection. Last evaluated: 2025-02-07. Review status: criteria provided, single submitter. Criteria: Ambry Variant Classification Scheme 2023. Collection method: clinical testing. Allele origin: germline.
Comment: The c.6160delC (p.Q2054Kfs*5) alteration, located in exon 50 (coding exon 49) of the FBN1 gene, consists of a deletion of one nucleotide at position 6160, causing a translational frameshift with a predicted alternate stop codon after 5 amino acids. This alteration is expected to result in loss of function by premature protein truncation or nonsense-mediated mRNA decay. This variant was not reported in population-based cohorts in the Genome Aggregation Database (gnomAD). Based on the available evidence, this alteration is classified as pathogenic.